The following is an entry in ClinVar:

NM_000059.4(BRCA2):c.7646G>C (p.Cys2549Ser)

Gene: BRCA2 (BRCA2 DNA repair associated; plus strand). Cytogenetic location: 13q13.1.
Variant type: single nucleotide variant.
Coding change: c.7646G>C on transcript NM_000059.4 (MANE Select); coding-DNA position 7646, G replaced by C.
Protein change: p.Cys2549Ser; replaces cysteine 2549 with serine.
Molecular consequence: missense variant.
Genome position (GRCh38, 1-based): chr13:32,357,770, G>C. VCF-style: chr13-32357770-G-C. GRCh37 (hg19) VCF-style: chr13-32931907-G-C.
Other names: short protein forms C2549S.
Identifiers: ClinVar variation 479346 (VCV000479346.7), dbSNP rs1555286395, ClinGen allele CA387744892.

ClinVar aggregate classification (germline): Conflicting classifications of pathogenicity. Review status: criteria provided, conflicting classifications (1 of 4 stars). 2 submissions from 2 submitters: Uncertain significance (1); Likely benign (1). Last evaluated 2025-08-22.

Conditions:
Hereditary cancer-predisposing syndrome. Also called: Neoplastic Syndromes, Hereditary; Hereditary Cancer Syndrome; Hereditary neoplastic syndrome; Tumor predisposition. Identifiers: Orphanet 140162, MedGen C0027672, MeSH D009386, MONDO:0015356.
Hereditary breast ovarian cancer syndrome. Also called: Hereditary breast and ovarian cancer syndrome (HBOC); Hereditary breast and ovarian cancer syndrome; Breast and ovarian cancer; BRCA1- and BRCA2-Associated Hereditary Breast and Ovarian Cancer; Hereditary breast and ovarian cancer; Hereditary breast and/or ovarian cancer syndrome. Identifiers: Orphanet 145, MedGen C0677776, MeSH D061325, MONDO:0003582. Disease mechanism: loss of function.

Submissions (2):

Labcorp Genetics (formerly Invitae), Labcorp
Classification: Uncertain significance for Hereditary breast ovarian cancer syndrome. Last evaluated: 2025-08-22. Review status: criteria provided, single submitter. Criteria: Invitae Variant Classification Sherloc (09022015). Collection method: clinical testing. Allele origin: germline.
Comment: This sequence change replaces cysteine, which is neutral and slightly polar, with serine, which is neutral and polar, at codon 2549 of the BRCA2 protein (p.Cys2549Ser). This variant is not present in population databases (gnomAD no frequency). This variant has not been reported in the literature in individuals affected with BRCA2-related conditions. ClinVar contains an entry for this variant (Variation ID: 479346). Invitae Evidence Modeling of protein sequence and biophysical properties (such as structural, functional, and spatial information, amino acid conservation, physicochemical variation, residue mobility, and thermodynamic stability) indicates that this missense variant is not expected to disrupt BRCA2 protein function with a negative predictive value of 95%. In summary, the available evidence is currently insufficient to determine the role of this variant in disease. Therefore, it has been classified as a Variant of Uncertain Significance.

Ambry Genetics
Classification: Likely benign for Hereditary cancer-predisposing syndrome. Last evaluated: 2025-04-29. Review status: criteria provided, single submitter. Criteria: Ambry Variant Classification Scheme 2023. Collection method: clinical testing. Allele origin: germline.